The following is an entry in ClinVar:

ClinVar aggregate classification (germline): Uncertain significance (1 of 4 stars; one submission).

Submission:

GeneDx
Classification: Uncertain significance. Last evaluated: 2024-10-07. Review status: criteria provided, single submitter. Criteria: GeneDx Variant Classification Process June 2021. Collection method: clinical testing. Allele origin: germline. Affected: yes.
Comment: Not observed at significant frequency in large population cohorts (gnomAD); In silico analysis indicates that this missense variant does not alter protein structure/function; Has not been previously published as pathogenic or benign to our knowledge

NM_012199.5(AGO1):c.1990T>C (p.Phe664Leu)

Gene: AGO1 (argonaute RISC component 1; plus strand). Cytogenetic location: 1p34.3.
Variant type: single nucleotide variant.
Coding change: c.1990T>C on transcript NM_012199.5 (MANE Select); coding-DNA position 1990, T replaced by C.
Protein change: p.Phe664Leu; replaces phenylalanine 664 with leucine.
Molecular consequence: missense variant.
Genome position (GRCh38, 1-based): chr1:35,915,504, T>C. VCF-style: chr1-35915504-T-C. GRCh37 (hg19) VCF-style: chr1-36381105-T-C.
Other names: c.1990T>C, p.Phe664Leu (NM_001317122.2); c.1765T>C, p.Phe589Leu (NM_001317123.2); short protein forms F589L, F664L.
Identifiers: ClinVar variation 3776734 (VCV003776734.1).
Genomic context (GRCh38, chr1:35,915,504, plus strand): 5'-GTGCGTGAGCTCCTCATCCAATTCTACAAGTCCACCCGTTTCAAGCCTACCCGCATCATC[T>C]TCTACCGAGATGGGGTGCCTGAAGGCCAGCTACCCCAGGTAGGGCCCACAGTAGGTGGAG-3'
Protein context (NP_036331.1, residues 654-674): STRFKPTRII[Phe664Leu]YRDGVPEGQL